The following is an entry in ClinVar:

ClinVar aggregate classification (germline): Uncertain significance (1 of 4 stars; one submission).

Submission:

GeneDx
Classification: Uncertain significance. Last evaluated: 2026-02-17. Review status: criteria provided, single submitter. Criteria: GeneDx Variant Classification Process June 2021. Collection method: clinical testing. Allele origin: germline.
Comment: Not observed at significant frequency in large population cohorts (gnomAD); In silico analysis supports that this missense variant has a deleterious effect on protein structure/function; Has not been previously published as pathogenic or benign to our knowledge

NM_001199397.3(NEK1):c.2108C>T (p.Ser703Phe)

Gene: NEK1 (NIMA related kinase 1; minus strand). Cytogenetic location: 4q33.
Variant type: single nucleotide variant.
Coding change: c.2108C>T on transcript NM_001199397.3 (MANE Select); coding-DNA position 2108, C replaced by T.
Protein change: p.Ser703Phe; replaces serine 703 with phenylalanine.
Molecular consequence: missense variant. On other transcripts: non-coding transcript variant (1).
Genome position (GRCh38, 1-based): chr4:169,479,434, G>A on the plus strand (C>T on the coding strand, the complement: NEK1 is on the minus strand). VCF-style: chr4-169479434-G-A. GRCh37 (hg19) VCF-style: chr4-170400585-G-A.
Other names: c.1976C>T, p.Ser659Phe (NM_001199398.3, NM_001440622.1); c.1817C>T, p.Ser606Phe (NM_001199399.3); c.1892C>T, p.Ser631Phe (NM_001199400.3, NM_001440623.1); c.2108C>T, p.Ser703Phe (NM_001374418.1, NM_001440620.1); c.2024C>T, p.Ser675Phe (NM_001374419.1, NM_001440621.1, NM_012224.4); c.1973C>T, p.Ser658Phe (NM_001374420.1); c.1802C>T, p.Ser601Phe (NM_001374421.1); c.1403C>T, p.Ser468Phe (NM_001440624.1); and 1 more; short protein forms S424F, S468F, S601F, S606F, S631F, S658F, S659F, S675F.
Identifiers: ClinVar variation 4976248 (VCV004976248.1).